The following is an entry in ClinVar:

ClinVar aggregate classification (germline): Likely pathogenic (1 of 4 stars; one submission).

Conditions:
Glycogen storage disease, type II (IOPD). Also called: Pompe Disease; CARDIOMEGALIA GLYCOGENICA DIFFUSA; GLYCOGENOSIS, GENERALIZED, CARDIAC FORM; GSD II; POMPE DISEASE, INFANTILE-ONSET; GLYCOGEN STORAGE DISEASE II, INFANTILE-ONSET. Identifiers: Orphanet 365, MedGen C0017921, MONDO:0009290, OMIM 232300.

Submission:

Genomenon, Inc
Classification: Likely pathogenic for Glycogen storage disease, type II. Last evaluated: 2026-07-01. Review status: criteria provided, single submitter. Criteria: Genomenon Sequence Variant Interpretation Standards - Updated. Collection method: curation. Allele origin: germline. Affected: yes.
Comment: GAA p.Trp367Gly (c.1099T>G) is a missense variant that changes the amino acid at codon 367 from Tryptophan to Glycine. This variant has been observed in at least one proband with a GAA-related disorder in the compound heterozygous and/or homozygous state (PMID:27629975). The presence of pathogenic/likely pathogenic missense variant(s) at the same amino acid position indicates that this residue is likely important for protein function. It is absent or not present at a significant frequency in gnomAD. In silico models predict that this variant is possibly or probably damaging. In conclusion, we classify GAA p.Trp367Gly (c.1099T>G) as a likely pathogenic variant.

Literature cited by the submitters: PubMed 27629975.

NM_000152.5(GAA):c.1099T>G (p.Trp367Gly)

Gene: GAA (alpha glucosidase; plus strand). Cytogenetic location: 17q25.3.
Variant type: single nucleotide variant.
Coding change: c.1099T>G on transcript NM_000152.5 (MANE Select); coding-DNA position 1099, T replaced by G.
Protein change: p.Trp367Gly; replaces tryptophan 367 with glycine.
Molecular consequence: missense variant.
Genome position (GRCh38, 1-based): chr17:80,108,512, T>G. VCF-style: chr17-80108512-T-G. GRCh37 (hg19) VCF-style: chr17-78082311-T-G.
Other names: c.1099T>G, p.Trp367Gly (NM_001079803.3, NM_001079804.3, NM_001406741.1 and 1 more transcripts); short protein forms W367G.
Identifiers: ClinVar variation 4876305 (VCV004876305.1).